The following is an entry in ClinVar:

NM_007294.4(BRCA1):c.234A>C (p.Arg78Ser)

Gene: BRCA1 (BRCA1 DNA repair associated; minus strand). Cytogenetic location: 17q21.31.
Variant type: single nucleotide variant.
Coding change: c.234A>C on transcript NM_007294.4 (MANE Select); coding-DNA position 234, A replaced by C.
Protein change: p.Arg78Ser; replaces arginine 78 with serine.
Molecular consequence: missense variant. On other transcripts: non-coding transcript variant (1).
Genome position (GRCh38, 1-based): chr17:43,104,935, T>G on the plus strand (A>C on the coding strand, the complement: BRCA1 is on the minus strand). VCF-style: chr17-43104935-T-G. GRCh37 (hg19) VCF-style: chr17-41256952-T-G.
Other names: c.24A>C, p.Arg8Ser (NM_001407571.1, NM_001407853.1, NM_001407879.1 and 58 more transcripts); c.234A>C, p.Arg78Ser (NM_001407581.1, NM_001407582.1, NM_001407583.1 and 168 more transcripts); c.156A>C, p.Arg52Ser (NM_001407653.1, NM_001407654.1, NM_001407655.1 and 21 more transcripts); c.93A>C, p.Arg31Ser (NM_001407692.1, NM_001407694.1, NM_001407695.1 and 99 more transcripts); c.-148A>C (NM_001407959.1, NM_001407960.1, NM_001407962.1 and 4 more transcripts); c.102A>C, p.Arg34Ser (NM_001408451.1); short protein forms R31S, R78S, R8S, R34S, R52S.
Identifiers: ClinVar variation 867362 (VCV000867362.3), dbSNP rs2054692277, ClinGen allele CA10601693.

Conditions:
Breast-ovarian cancer, familial, susceptibility to, 1 (BROVCA1). Also called: BRCA1 Hereditary Breast and Ovarian Cancer; OVARIAN CANCER, SUSCEPTIBILITY TO. Identifiers: Orphanet 145, MedGen C2676676, MONDO:0011450, OMIM 604370. Disease mechanism: loss of function.

Submission:

Brotman Baty Institute, University of Washington
No classification provided (evidence only). Condition: Breast-ovarian cancer, familial 1. Review status: no classification provided. Collection method: in vitro. Allele origin: not applicable. Functional consequence: functionally_normal.
ClinVar note: "not provided" was previously submitted as the classification for the variant. However, the classification appeared to be based only on an observation of functional data so it was converted to no classification on 2025-07-30.